The following is an entry in ClinVar:

ClinVar aggregate classification (germline): Benign/Likely benign. Review status: criteria provided, multiple submitters, no conflicts (2 of 4 stars). 7 submissions from 4 submitters: Benign (5); Likely benign (2). Last evaluated 2026-02-04.

Conditions:
Tibial muscular dystrophy (TMD). Also called: UDD MYOPATHY; Tibial muscular dystrophy, tardive; Udd Distal Myopathy – Tibial Muscular Dystrophy. Identifiers: Orphanet 609, MedGen C1838244, MONDO:0010870, OMIM 600334.
Autosomal recessive limb-girdle muscular dystrophy type 2J (LGMDR10). Also called: MUSCULAR DYSTROPHY, LIMB-GIRDLE, AUTOSOMAL RECESSIVE 10; Limb-girdle muscular dystrophy, type 2J. Identifiers: Orphanet 140922, MedGen C1837342, MONDO:0012127, OMIM 608807.
Dilated cardiomyopathy 1G (CMD1G). Identifiers: Orphanet 154, MedGen C1858763, MONDO:0011400, OMIM 604145.
Early-onset myopathy with fatal cardiomyopathy (CMYO5). Also called: CONGENITAL MYOPATHY 5 WITH CARDIOMYOPATHY; Salih Myopathy. Identifiers: Orphanet 289377, MedGen C2673677, MONDO:0012714, OMIM 611705. Disease mechanism: loss of function.
Myopathy, myofibrillar, 9, with early respiratory failure (MFM9). Also called: EDSTROM MYOPATHY; Myopathy, distal, with early respiratory failure, autosomal dominant; Hereditary myopathy with early respiratory failure; MYOPATHY, PROXIMAL, WITH EARLY RESPIRATORY MUSCLE INVOLVEMENT. Identifiers: Orphanet 178464, Orphanet 34521, MedGen C1863599, MONDO:0011362, OMIM 603689.

Allele frequency attached by ClinVar (database versions not stated): ExAC 0.00001; gnomAD 0.00001; TOPMed 0.00001; ESP Exome Variant Server 0.00008.
gnomAD v4.1: 33 of 1,613,710 alleles (0.002%); highest among the groups gnomAD compares: Non-Finnish European, 0.0025%; no homozygotes.

Submissions (7):

Labcorp Genetics (formerly Invitae), Labcorp
Classification: Likely benign for Dilated cardiomyopathy 1G; Autosomal recessive limb-girdle muscular dystrophy type 2J. Last evaluated: 2026-02-04. Review status: criteria provided, single submitter. Criteria: Invitae Variant Classification Sherloc (09022015). Collection method: clinical testing. Allele origin: germline.

Blueprint Genetics
Classification: Likely benign. Last evaluated: 2024-03-20. Review status: criteria provided, single submitter. Criteria: ACMG Guidelines, 2015. Collection method: clinical testing. Allele origin: germline.

Genome-Nilou Lab
Classification: Benign for Autosomal recessive limb-girdle muscular dystrophy type 2J. Last evaluated: 2021-09-10. Review status: criteria provided, single submitter. Criteria: ACMG Guidelines, 2015. Collection method: clinical testing. Allele origin: germline. Affected: no.

Genome-Nilou Lab
Classification: Benign for Myopathy, myofibrillar, 9, with early respiratory failure. Last evaluated: 2021-09-10. Review status: criteria provided, single submitter. Criteria: ACMG Guidelines, 2015. Collection method: clinical testing. Allele origin: germline. Affected: no.

Genome-Nilou Lab
Classification: Benign for Early-onset myopathy with fatal cardiomyopathy. Last evaluated: 2021-09-10. Review status: criteria provided, single submitter. Criteria: ACMG Guidelines, 2015. Collection method: clinical testing. Allele origin: germline. Affected: no.

Genome-Nilou Lab
Classification: Benign for Tibial muscular dystrophy. Last evaluated: 2021-09-10. Review status: criteria provided, single submitter. Criteria: ACMG Guidelines, 2015. Collection method: clinical testing. Allele origin: germline. Affected: no.

GeneDx
Classification: Benign. Last evaluated: 2015-06-04. Review status: criteria provided, single submitter. Criteria: GeneDx Variant Classification (06012015). Collection method: clinical testing. Allele origin: germline. Affected: yes.
Comment: This variant is considered likely benign or benign based on one or more of the following criteria: it is a conservative change, it occurs at a poorly conserved position in the protein, it is predicted to be benign by multiple in silico algorithms, and/or has population frequency not consistent with disease.

NM_001267550.2(TTN):c.27273C>T (p.Cys9091=)

Gene: TTN (titin; minus strand). Cytogenetic location: 2q31.2.
Variant type: single nucleotide variant.
Coding change: c.27273C>T on transcript NM_001267550.2 (MANE Select); coding-DNA position 27273, C replaced by T.
Protein change: p.Cys9091=; no amino-acid change (cysteine 9091 retained).
Molecular consequence: synonymous variant. On other transcripts: intron variant (3).
Genome position (GRCh38, 1-based): chr2:178,712,752, G>A on the plus strand (C>T on the coding strand, the complement: TTN is on the minus strand). VCF-style: chr2-178712752-G-A. GRCh37 (hg19) VCF-style: chr2-179577479-G-A.
Other names: c.26322C>T, p.Cys8774= (NM_001256850.1); c.23541C>T, p.Cys7847= (NM_133378.4); c.13282+25330C>T (NM_003319.4); c.13858+25330C>T (NM_133437.4); c.13657+25330C>T (NM_133432.3).
Identifiers: ClinVar variation 379212 (VCV000379212.15), dbSNP rs375546576, ClinGen allele CA1999842.
Genomic context (GRCh38, chr2:178,712,752, plus strand): 5'-CAAACCTTTTATGTAGAGATGTGTTGTACAAGAAGCCTTGCCAGCTTCATTGCTAACTAT[G>A]CAAGTATATTCTCCACTTTGTGATGTATCTACATCGAACAACTCCAGTTCAGCAACTGAA-3'
Protein context (NP_001254479.2, residues 9081-9101): VDTSQSGEYT[Cys9091=]IVSNEAGKAS